The following is an entry in ClinVar:

ClinVar aggregate classification (germline): Uncertain significance (1 of 4 stars; one submission).

Submission:

Labcorp Genetics (formerly Invitae), Labcorp
Classification: Uncertain significance. Last evaluated: 2022-11-07. Review status: criteria provided, single submitter. Criteria: Invitae Variant Classification Sherloc (09022015). Collection method: clinical testing. Allele origin: germline.
Comment: This sequence change falls in intron 3 of the NOTCH3 gene. It does not directly change the encoded amino acid sequence of the NOTCH3 protein. In summary, the available evidence is currently insufficient to determine the role of this variant in disease. Therefore, it has been classified as a Variant of Uncertain Significance. Algorithms developed to predict the effect of sequence changes on RNA splicing suggest that this variant may disrupt the consensus splice site. This variant has not been reported in the literature in individuals affected with NOTCH3-related conditions. This variant is not present in population databases (gnomAD no frequency).

NM_000435.3(NOTCH3):c.341-32_341-21del

Gene: NOTCH3 (notch receptor 3; minus strand). Cytogenetic location: 19p13.12.
Variant type: Deletion.
Coding change: c.341-32_341-21del on transcript NM_000435.3 (MANE Select); 32 bases into the intron before coding-DNA position 341 through 21 bases into the intron before coding-DNA position 341, 12 bases deleted (GTCCTAAACTCA).
Molecular consequence: intron variant.
Genome position (GRCh38, 1-based): chr19:15,192,319-15,192,330, TGAGTTTAGGAC deleted on the plus strand (GTCCTAAACTCA on the coding strand, the reverse complement: NOTCH3 is on the minus strand); deleting any 12 consecutive bases within chr19:15,192,319-15,192,333 gives the same sequence; the c. name uses the placement nearest the transcript's 3' end. VCF-style (leftmost placement, unchanged base first): chr19-15192318-GTGAGTTTAGGAC-G. GRCh37 (hg19) VCF-style: chr19-15303129-GTGAGTTTAGGAC-G.
Identifiers: ClinVar variation 2033624 (VCV002033624.4), dbSNP rs2512666487, ClinGen allele CA2580096685.
Genomic context (GRCh38, chr19:15,192,318, plus strand): 5'-AGGGCTGCTGAGGCAGGGATCTGGCAGGGAGCAGTCAGGGCCTGGAGGGACCAGGACAGG[GTGAGTTTAGGAC>G]TGACCACACCCCCGACTACCTCCCCTCCAGACTCTTCCCCTCTCACCTCGGAAGCCACGG-3'